The following is an entry in ClinVar:

ClinVar aggregate classification (germline): Uncertain significance (1 of 4 stars; one submission).

Conditions:
FG syndrome (FGS). Identifiers: MedGen C0220769, MONDO:0002010.

Submission:

Labcorp Genetics (formerly Invitae), Labcorp
Classification: Uncertain significance for FG syndrome. Last evaluated: 2023-09-20. Review status: criteria provided, single submitter. Criteria: Invitae Variant Classification Sherloc (09022015). Collection method: clinical testing. Allele origin: germline.
Comment: In summary, the available evidence is currently insufficient to determine the role of this variant in disease. Therefore, it has been classified as a Variant of Uncertain Significance. An algorithm developed to predict the effect of missense changes on protein structure and function (PolyPhen-2) suggests that this variant is likely to be tolerated. This variant has not been reported in the literature in individuals affected with MED12-related conditions. This variant is not present in population databases (gnomAD no frequency). This sequence change replaces methionine, which is neutral and non-polar, with threonine, which is neutral and polar, at codon 1473 of the MED12 protein (p.Met1473Thr).

NM_005120.3(MED12):c.4418T>C (p.Met1473Thr)

Gene: MED12 (mediator complex subunit 12; plus strand). Cytogenetic location: Xq13.1.
Variant type: single nucleotide variant.
Coding change: c.4418T>C on transcript NM_005120.3 (MANE Select); coding-DNA position 4418, T replaced by C.
Protein change: p.Met1473Thr; replaces methionine 1473 with threonine.
Molecular consequence: missense variant.
Genome position (GRCh38, 1-based): chrX:71,132,847, T>C. VCF-style: chrX-71132847-T-C. GRCh37 (hg19) VCF-style: chrX-70352697-T-C.
Other names: short protein forms M1473T.
Identifiers: ClinVar variation 2762040 (VCV002762040.3), dbSNP rs2519702252, ClinGen allele CA413527386.
Genomic context (GRCh38, chrX:71,132,847, plus strand): 5'-TCTCTTCTCTTCTCTTCTCTTCTCTTCTCTTCTCTTCTCTTCTTTCTCTTGTCTCTAGCA[T>C]GTCCCTATTGAGCCAGCAGCCCTTCTTATCGCTGGTGCTAACATGTCTGAAAGGGCAGGA-3'
Protein context (NP_005111.2, residues 1463-1483): KERDRQKQKS[Met1473Thr]SLLSQQPFLS